The following is an entry in ClinVar:

NM_005732.4(RAD50):c.1967G>T (p.Arg656Leu)

Gene: RAD50 (RAD50 double strand break repair protein; plus strand). Cytogenetic location: 5q31.1.
Variant type: single nucleotide variant.
Coding change: c.1967G>T on transcript NM_005732.4 (MANE Select); coding-DNA position 1967, G replaced by T.
Protein change: p.Arg656Leu; replaces arginine 656 with leucine.
Molecular consequence: missense variant.
Genome position (GRCh38, 1-based): chr5:132,595,042, G>T. VCF-style: chr5-132595042-G-T. GRCh37 (hg19) VCF-style: chr5-131930734-G-T.
Other names: short protein forms R656L.
Identifiers: ClinVar variation 935272 (VCV000935272.10), dbSNP rs786203372, ClinGen allele CA360948670.

ClinVar aggregate classification (germline): Uncertain significance. Review status: criteria provided, multiple submitters, no conflicts (2 of 4 stars). 2 submissions from 2 submitters: Uncertain significance (2). Last evaluated 2021-12-11.

Conditions:
Hereditary cancer-predisposing syndrome. Also called: Tumor predisposition; Hereditary neoplastic syndrome; Hereditary Cancer Syndrome; Neoplastic Syndromes, Hereditary. Identifiers: Orphanet 140162, MedGen C0027672, MeSH D009386, MONDO:0015356.

Submissions (2):

Labcorp Genetics (formerly Invitae), Labcorp
Classification: Uncertain significance for Hereditary cancer-predisposing syndrome. Last evaluated: 2021-12-11. Review status: criteria provided, single submitter. Criteria: Invitae Variant Classification Sherloc (09022015). Collection method: clinical testing. Allele origin: germline.
Comment: In summary, the available evidence is currently insufficient to determine the role of this variant in disease. Therefore, it has been classified as a Variant of Uncertain Significance. This sequence change replaces arginine, which is basic and polar, with leucine, which is neutral and non-polar, at codon 656 of the RAD50 protein (p.Arg656Leu). This variant is not present in population databases (gnomAD no frequency). This variant has not been reported in the literature in individuals affected with RAD50-related conditions. ClinVar contains an entry for this variant (Variation ID: 935272). Algorithms developed to predict the effect of missense changes on protein structure and function (SIFT, PolyPhen-2, Align-GVGD) all suggest that this variant is likely to be tolerated.

Ambry Genetics
Classification: Uncertain significance for Hereditary cancer-predisposing syndrome. Last evaluated: 2020-01-03. Review status: criteria provided, single submitter. Criteria: Ambry Variant Classification Scheme 2023. Collection method: clinical testing. Allele origin: germline.
Comment: The p.R656L variant (also known as c.1967G>T), located in coding exon 12 of the RAD50 gene, results from a G to T substitution at nucleotide position 1967. The arginine at codon 656 is replaced by leucine, an amino acid with dissimilar properties. This amino acid position is highly conserved in available vertebrate species. In addition, this alteration is predicted to be deleterious by in silico analysis. Since supporting evidence is limited at this time, the clinical significance of this alteration remains unclear.